The following is an entry in ClinVar:

ClinVar aggregate classification (germline): Uncertain significance. Review status: criteria provided, multiple submitters, no conflicts (2 of 4 stars). 2 submissions from 2 submitters: Uncertain significance (2). Last evaluated 2025-09-05.

Conditions:
Inborn genetic diseases. Identifiers: MedGen C0950123, MeSH D030342.

Allele frequency attached by ClinVar (database versions not stated): ExAC 0.00001; TOPMed 0.00001; gnomAD 0.00002; gnomAD exomes 0.00005.
gnomAD v4.1: 72 of 1,614,136 alleles (0.0045%); highest among the groups gnomAD compares: Non-Finnish European, 0.0058%; no homozygotes.

Submissions (2):

Ambry Genetics
Classification: Uncertain significance for Inborn genetic diseases. Last evaluated: 2025-09-05. Review status: criteria provided, single submitter. Criteria: Ambry Variant Classification Scheme 2023. Collection method: clinical testing. Allele origin: germline.

Labcorp Genetics (formerly Invitae), Labcorp
Classification: Uncertain significance. Last evaluated: 2024-11-25. Review status: criteria provided, single submitter. Criteria: Invitae Variant Classification Sherloc (09022015). Collection method: clinical testing. Allele origin: germline.
Comment: This sequence change replaces methionine, which is neutral and non-polar, with valine, which is neutral and non-polar, at codon 204 of the ZMIZ1 protein (p.Met204Val). This variant is present in population databases (rs746981783, gnomAD 0.003%). This variant has not been reported in the literature in individuals affected with ZMIZ1-related conditions. ClinVar contains an entry for this variant (Variation ID: 2059188). Invitae Evidence Modeling of protein sequence and biophysical properties (such as structural, functional, and spatial information, amino acid conservation, physicochemical variation, residue mobility, and thermodynamic stability) indicates that this missense variant is not expected to disrupt ZMIZ1 protein function with a negative predictive value of 95%. In summary, the available evidence is currently insufficient to determine the role of this variant in disease. Therefore, it has been classified as a Variant of Uncertain Significance.

NM_020338.4(ZMIZ1):c.610A>G (p.Met204Val)

Gene: ZMIZ1 (zinc finger MIZ-type containing 1; plus strand). Cytogenetic location: 10q22.3.
Variant type: single nucleotide variant.
Coding change: c.610A>G on transcript NM_020338.4 (MANE Select); coding-DNA position 610, A replaced by G.
Protein change: p.Met204Val; replaces methionine 204 with valine.
Molecular consequence: missense variant.
Genome position (GRCh38, 1-based): chr10:79,291,028, A>G. VCF-style: chr10-79291028-A-G. GRCh37 (hg19) VCF-style: chr10-81050785-A-G.
Other names: c.610A>G (NM_020338.3); short protein forms M204V.
Identifiers: ClinVar variation 2059188 (VCV002059188.5), dbSNP rs746981783, ClinGen allele CA5572400.